The following is an entry in ClinVar:

ClinVar aggregate classification (germline): Uncertain significance. Review status: criteria provided, multiple submitters, no conflicts (2 of 4 stars). 2 submissions from 2 submitters: Uncertain significance (2). Last evaluated 2022-06-14.

Conditions:
Leber congenital amaurosis 4 (LCA4). Identifiers: MedGen C1858386, MONDO:0011458, OMIM 604393.

Allele frequency attached by ClinVar (database versions not stated): gnomAD 0.00001.

Submissions (2):

Labcorp Genetics (formerly Invitae), Labcorp
Classification: Uncertain significance for Leber congenital amaurosis 4. Last evaluated: 2022-06-14. Review status: criteria provided, single submitter. Criteria: Invitae Variant Classification Sherloc (09022015). Collection method: clinical testing. Allele origin: germline.
Comment: In summary, the available evidence is currently insufficient to determine the role of this variant in disease. Therefore, it has been classified as a Variant of Uncertain Significance. Algorithms developed to predict the effect of missense changes on protein structure and function (SIFT, PolyPhen-2, Align-GVGD) all suggest that this variant is likely to be tolerated. This variant has not been reported in the literature in individuals affected with AIPL1-related conditions. This variant is not present in population databases (gnomAD no frequency). This sequence change replaces arginine, which is basic and polar, with lysine, which is basic and polar, at codon 306 of the AIPL1 protein (p.Arg306Lys).

Blueprint Genetics
Classification: Uncertain significance. Last evaluated: 2018-11-02. Review status: criteria provided, single submitter. Criteria: ACMG Guidelines, 2015. Collection method: clinical testing. Allele origin: germline.

NM_014336.5(AIPL1):c.917G>A (p.Arg306Lys)

Gene: AIPL1 (AIP like 1 HSP90 co-chaperone; minus strand). Cytogenetic location: 17p13.2.
Variant type: single nucleotide variant.
Coding change: c.917G>A on transcript NM_014336.5 (MANE Select); coding-DNA position 917, G replaced by A.
Protein change: p.Arg306Lys; replaces arginine 306 with lysine.
Molecular consequence: missense variant. On other transcripts: 3 prime UTR variant (1).
Genome position (GRCh38, 1-based): chr17:6,425,698, C>T on the plus strand (G>A on the coding strand, the complement: AIPL1 is on the minus strand). VCF-style: chr17-6425698-C-T. GRCh37 (hg19) VCF-style: chr17-6329018-C-T.
Other names: c.728G>A, p.Arg243Lys (NM_001033054.3); c.737G>A, p.Arg246Lys (NM_001033055.3); c.881G>A, p.Arg294Lys (NM_001285399.3); c.851G>A, p.Arg284Lys (NM_001285400.3); c.845G>A, p.Arg282Lys (NM_001285401.3); c.800G>A, p.Arg267Lys (NM_001285402.2); c.*888G>A (NM_001285403.4); short protein forms R267K, R284K, R246K, R294K, R243K, R282K, R306K.
Identifiers: ClinVar variation 2164893 (VCV002164893.5), dbSNP rs1307386356, ClinGen allele CA397394656.